The following is an entry in ClinVar:

NM_025099.6(CTC1):c.295G>C (p.Ala99Pro)

Gene: CTC1 (CST telomere replication complex component 1; minus strand). Cytogenetic location: 17p13.1.
Variant type: single nucleotide variant.
Coding change: c.295G>C on transcript NM_025099.6 (MANE Select); coding-DNA position 295, G replaced by C.
Protein change: p.Ala99Pro; replaces alanine 99 with proline.
Molecular consequence: missense variant. On other transcripts: non-coding transcript variant (1).
Genome position (GRCh38, 1-based): chr17:8,238,532, C>G on the plus strand (G>C on the coding strand, the complement: CTC1 is on the minus strand). VCF-style: chr17-8238532-C-G. GRCh37 (hg19) VCF-style: chr17-8141850-C-G.
Other names: short protein forms A99P.
Identifiers: ClinVar variation 1691966 (VCV001691966.1), dbSNP rs2151531876, ClinGen allele CA397993606.

ClinVar aggregate classification (germline): Uncertain significance (1 of 4 stars; one submission).

Conditions:
Dyskeratosis congenita. Identifiers: Orphanet 1775, MedGen C0265965, MONDO:0015780.

Submission:

Sema4
Classification: Uncertain significance for Dyskeratosis congenita. Last evaluated: 2022-01-16. Review status: criteria provided, single submitter. Criteria: Sema4 Curation Guidelines. Collection method: curation. Allele origin: germline.
Comment: The CTC1 c.295G>C (p.A99P) variant has not been reported in the literature to our knowledge. It was not observed in the large and broad cohorts of the Genome Aggregation Database (PMID: 32461654). The variant has not been reported in ClinVar. Functional studies have not been performed, and in silico predictions of the variant's effect on protein function are inconclusive. The evidence is insufficient to meet ACMG/AMP criteria for classifying the variant as benign or pathogenic. Thus, the clinical significance of this variant is currently uncertain.